The following is an entry in ClinVar:

NM_002047.4(GARS1):c.1780C>T (p.His594Tyr)

Gene: GARS1 (glycyl-tRNA synthetase 1; plus strand). Cytogenetic location: 7p14.3.
Variant type: single nucleotide variant.
Coding change: c.1780C>T on transcript NM_002047.4 (MANE Select); coding-DNA position 1780, C replaced by T.
Protein change: p.His594Tyr; replaces histidine 594 with tyrosine.
Molecular consequence: missense variant.
Genome position (GRCh38, 1-based): chr7:30,628,640, C>T. VCF-style: chr7-30628640-C-T. GRCh37 (hg19) VCF-style: chr7-30668256-C-T.
Other names: c.1618C>T, p.His540Tyr (NM_001316772.1); short protein forms H540Y, H594Y.
Identifiers: ClinVar variation 2921088 (VCV002921088.1), dbSNP rs2534331949, ClinGen allele CA367129667.

ClinVar aggregate classification (germline): Uncertain significance (1 of 4 stars; one submission).

Allele frequency attached by ClinVar (database versions not stated): gnomAD exomes below 0.00001.
gnomAD v4.1: 1 of 1,611,542 alleles (0.000062%); highest among the groups gnomAD compares: Non-Finnish European, 0.000085%; no homozygotes.

Submission:

ARUP Laboratories, Molecular Genetics and Genomics, ARUP Laboratories
Classification: Uncertain significance. Last evaluated: 2023-09-26. Review status: criteria provided, single submitter. Criteria: ARUP Molecular Germline Variant Investigation Process 2024. Collection method: clinical testing. Allele origin: germline.
Comment: The GARS1 c.1780C>T; p.His594Tyr variant, to our knowledge, is not reported in the medical literature or gene specific databases. This variant is also absent from the Genome Aggregation Database, indicating it is not a common polymorphism. Computational analyses predict that this variant is neutral (REVEL: 0.122). However, given the lack of clinical and functional data, the significance of this variant is uncertain at this time.